The following is an entry in ClinVar:

NM_013275.6(ANKRD11):c.7041G>C (p.Gln2347His)

Gene: ANKRD11 (ankyrin repeat domain 11; minus strand). Cytogenetic location: 16q24.3.
Variant type: single nucleotide variant.
Coding change: c.7041G>C on transcript NM_013275.6 (MANE Select); coding-DNA position 7041, G replaced by C.
Protein change: p.Gln2347His; replaces glutamine 2347 with histidine.
Molecular consequence: missense variant.
Genome position (GRCh38, 1-based): chr16:89,279,501, C>G on the plus strand (G>C on the coding strand, the complement: ANKRD11 is on the minus strand). VCF-style: chr16-89279501-C-G. GRCh37 (hg19) VCF-style: chr16-89345909-C-G.
Other names: c.7041G>C, p.Gln2347His (NM_001256182.2, NM_001256183.2); short protein forms Q2347H.
Identifiers: ClinVar variation 3637125 (VCV003637125.2).

ClinVar aggregate classification (germline): Uncertain significance (1 of 4 stars; one submission).

Conditions:
KBG syndrome (KBGS). Also called: ANKRD11-Related KBG Syndrome. Identifiers: Orphanet 2332, MedGen C0220687, MONDO:0007846, OMIM 148050.

Submission:

Labcorp Genetics (formerly Invitae), Labcorp
Classification: Uncertain significance for KBG syndrome. Last evaluated: 2024-10-16. Review status: criteria provided, single submitter. Criteria: Invitae Variant Classification Sherloc (09022015). Collection method: clinical testing. Allele origin: germline.
Comment: This sequence change replaces glutamine, which is neutral and polar, with histidine, which is basic and polar, at codon 2347 of the ANKRD11 protein (p.Gln2347His). This variant is not present in population databases (gnomAD no frequency). This variant has not been reported in the literature in individuals affected with ANKRD11-related conditions. Invitae Evidence Modeling of protein sequence and biophysical properties (such as structural, functional, and spatial information, amino acid conservation, physicochemical variation, residue mobility, and thermodynamic stability) indicates that this missense variant is not expected to disrupt ANKRD11 protein function with a negative predictive value of 95%. In summary, the available evidence is currently insufficient to determine the role of this variant in disease. Therefore, it has been classified as a Variant of Uncertain Significance.